The following is an entry in ClinVar:

ClinVar aggregate classification (germline): Likely benign. Review status: criteria provided, multiple submitters, no conflicts (2 of 4 stars). 3 submissions from 3 submitters: Likely benign (3). Last evaluated 2025-12-16.

Conditions:
Spastic paraplegia. Identifiers: MedGen C0037772, HP:0001258.

Allele frequency attached by ClinVar (database versions not stated): 1000 Genomes Project 30x 0.00078; TOPMed 0.00085; 1000 Genomes Project 0.00100; ESP Exome Variant Server 0.00131; gnomAD 0.00038.
gnomAD v4.1: 1,355 of 1,613,144 alleles (0.084%); highest among the groups gnomAD compares: Non-Finnish European, 0.097%; 2 homozygotes.

Submissions (3):

Labcorp Genetics (formerly Invitae), Labcorp
Classification: Likely benign for Spastic paraplegia. Last evaluated: 2025-12-16. Review status: criteria provided, single submitter. Criteria: Invitae Variant Classification Sherloc (09022015). Collection method: clinical testing. Allele origin: germline.

CeGaT Center for Human Genetics Tuebingen
Classification: Likely benign. Last evaluated: 2022-06-01. Review status: criteria provided, single submitter. Criteria: CeGaT Center For Human Genetics Tuebingen Variant Classification Criteria Version 2. Collection method: clinical testing. Allele origin: germline. Affected: yes. Observed: 1 variant allele.
Comment: ARSI: BP4, BP7

Breakthrough Genomics
Classification: Likely benign. Review status: criteria provided, single submitter. Criteria: ACMG Guidelines, 2015. Collection method: not provided. Allele origin: germline. Inheritance: Unknown mechanism. Affected: yes.

NM_001012301.4(ARSI):c.852C>T (p.Tyr284=)

Gene: ARSI (arylsulfatase family member I; minus strand). Cytogenetic location: 5q32.
Variant type: single nucleotide variant.
Coding change: c.852C>T on transcript NM_001012301.4 (MANE Select); coding-DNA position 852, C replaced by T.
Protein change: p.Tyr284=; no amino-acid change (tyrosine 284 retained).
Molecular consequence: synonymous variant.
Genome position (GRCh38, 1-based): chr5:150,298,072, G>A on the plus strand (C>T on the coding strand, the complement: ARSI is on the minus strand). VCF-style: chr5-150298072-G-A. GRCh37 (hg19) VCF-style: chr5-149677635-G-A.
Identifiers: ClinVar variation 465197 (VCV000465197.35), dbSNP rs139203947, ClinGen allele CA3510229.
Genomic context (GRCh38, chr5:150,298,072, plus strand): 5'-CGAGAAAGTCTGGCCACCATTGTCACTGGAGAAGATGATGACACTGTTGTTGTAGAAACC[G>A]TAGCGCTTGAGGGCCCAGGTGATGTTGCGCACAGCCTCATCCATGCAGGTCACCATGGCC-3'
Protein context (NP_001012301.1, residues 274-294): VRNITWALKR[Tyr284=]GFYNNSVIIF